The following is an entry in ClinVar:

NM_007194.4(CHEK2):c.1337A>G (p.Asn446Ser)

Gene: CHEK2 (checkpoint kinase 2; minus strand). Cytogenetic location: 22q12.1.
Variant type: single nucleotide variant.
Coding change: c.1337A>G on transcript NM_007194.4 (MANE Select); coding-DNA position 1337, A replaced by G.
Protein change: p.Asn446Ser; replaces asparagine 446 with serine.
Molecular consequence: missense variant.
Genome position (GRCh38, 1-based): chr22:28,695,165, T>C on the plus strand (A>G on the coding strand, the complement: CHEK2 is on the minus strand). VCF-style: chr22-28695165-T-C. GRCh37 (hg19) VCF-style: chr22-29091153-T-C.
Other names: c.1466A>G, p.Asn489Ser (NM_001005735.3); c.674A>G, p.Asn225Ser (NM_001257387.3); c.1136A>G, p.Asn379Ser (NM_001349956.3); c.1250A>G, p.Asn417Ser (NM_145862.3); short protein forms N446S, N489S, N225S, N379S, N417S.
Identifiers: ClinVar variation 843207 (VCV000843207.14), dbSNP rs2052517802, ClinGen allele CA411095716.

ClinVar aggregate classification (germline): Uncertain significance. Review status: criteria provided, multiple submitters, no conflicts (2 of 4 stars). 3 submissions from 3 submitters: Uncertain significance (3). Last evaluated 2024-05-06.

Conditions:
Familial cancer of breast. Also called: hereditary breast carcinoma; BREAST CANCER, FAMILIAL; Hereditary breast cancer. Identifiers: Orphanet 227535, MedGen C0346153, MONDO:0016419, OMIM 114480. Disease mechanism: loss of function.
Hereditary cancer-predisposing syndrome. Also called: Hereditary Cancer Syndrome; Hereditary neoplastic syndrome; Tumor predisposition; Neoplastic Syndromes, Hereditary. Identifiers: Orphanet 140162, MedGen C0027672, MeSH D009386, MONDO:0015356.

Submissions (3):

GeneDx
Classification: Uncertain significance. Last evaluated: 2024-05-06. Review status: criteria provided, single submitter. Criteria: GeneDx Variant Classification Process June 2021. Collection method: clinical testing. Allele origin: germline. Affected: yes.
Comment: Not observed at significant frequency in large population cohorts (gnomAD); In silico analysis indicates that this missense variant does not alter protein structure/function; Identified in an individual with colorectal cancer (PMID: 38061684); This variant is associated with the following publications: (PMID: 22419737, 19782031, 38061684)

Labcorp Genetics (formerly Invitae), Labcorp
Classification: Uncertain significance for Familial cancer of breast. Last evaluated: 2023-06-16. Review status: criteria provided, single submitter. Criteria: Invitae Variant Classification Sherloc (09022015). Collection method: clinical testing. Allele origin: germline.
Comment: This variant has not been reported in the literature in individuals affected with CHEK2-related conditions. This variant is not present in population databases (gnomAD no frequency). This sequence change replaces asparagine, which is neutral and polar, with serine, which is neutral and polar, at codon 446 of the CHEK2 protein (p.Asn446Ser). ClinVar contains an entry for this variant (Variation ID: 843207). In summary, the available evidence is currently insufficient to determine the role of this variant in disease. Therefore, it has been classified as a Variant of Uncertain Significance. An algorithm developed to predict the effect of missense changes on protein structure and function (PolyPhen-2) suggests that this variant is likely to be tolerated.

Ambry Genetics
Classification: Uncertain significance for Hereditary cancer-predisposing syndrome. Last evaluated: 2022-05-01. Review status: criteria provided, single submitter. Criteria: Ambry Variant Classification Scheme 2023. Collection method: clinical testing. Allele origin: germline.
Comment: The p.N446S variant (also known as c.1337A>G), located in coding exon 11 of the CHEK2 gene, results from an A to G substitution at nucleotide position 1337. The asparagine at codon 446 is replaced by serine, an amino acid with highly similar properties. This amino acid position is conserved. In addition, this alteration is predicted to be tolerated by in silico analysis. Since supporting evidence is limited at this time, the clinical significance of this alteration remains unclear.